The following is an entry in ClinVar:

NM_000540.3(RYR1):c.4107C>T (p.Pro1369=)

Gene: RYR1 (ryanodine receptor 1; plus strand). Cytogenetic location: 19q13.2.
Variant type: single nucleotide variant.
Coding change: c.4107C>T on transcript NM_000540.3 (MANE Select); coding-DNA position 4107, C replaced by T.
Protein change: p.Pro1369=; no amino-acid change (proline 1369 retained).
Molecular consequence: synonymous variant.
Genome position (GRCh38, 1-based): chr19:38,473,718, C>T. VCF-style: chr19-38473718-C-T. GRCh37 (hg19) VCF-style: chr19-38964358-C-T.
Other names: p.Pro1369=; c.4107C>T, p.Pro1369= (NM_001042723.2).
Identifiers: ClinVar variation 93267 (VCV000093267.31), dbSNP rs11882640, ClinGen allele CA024427.

ClinVar aggregate classification (germline): Benign. Review status: criteria provided, multiple submitters, no conflicts (2 of 4 stars). 15 submissions from 13 submitters: Benign (12). 3 of the submissions do not count toward it. Last evaluated 2026-02-04.

Conditions:
RYR1-related disorder. Also called: RYR1-related condition; RYR1-related disorders. Identifiers: MedGen CN239331.
Central core myopathy (CMYO1A). Also called: CONGENITAL MYOPATHY 1A, AUTOSOMAL DOMINANT, WITH SUSCEPTIBILITY TO MALIGNANT HYPERTHERMIA; Central core disease; Myopathy, central fibrillar. Identifiers: Orphanet 597, MedGen C5830701, MONDO:0007294, OMIM 117000.
Congenital multicore myopathy with external ophthalmoplegia (CMYO1B). Also called: Congenital myopathy 1B, autosomal recessive; Minicore myopathy; Minicore myopathy with external ophthalmoplegia; MULTIMINICORE DISEASE WITH EXTERNAL OPHTHALMOPLEGIA; MULTICORE MYOPATHY. Identifiers: Orphanet 598, Orphanet 98905, MedGen C1850674, MONDO:0009712, OMIM 255320, HP:0003789.
Malignant hyperthermia, susceptibility to, 1 (MHS1). Also called: RYR1-Related Malignant Hyperthermia Susceptibility; Malignant hyperthermia suceptibility 1; Anesthesia related hyperthermia; Malignant hyperpyrexia; Fulminating hyperpyrexia; Pharmacogenic myopathy. Identifiers: Orphanet 423, MedGen C2930980, MONDO:0007783, OMIM 145600.

Allele frequency attached by ClinVar (database versions not stated): gnomAD exomes 0.00332 and 0.00789; ExAC 0.01005; ESP Exome Variant Server 0.02379; gnomAD 0.02804 and 0.02972; TOPMed 0.02880; 1000 Genomes Project 0.03395; 1000 Genomes Project 30x 0.03592.
gnomAD v4.1: 9,223 of 1,547,822 alleles (0.6%); highest among the groups gnomAD compares: African/African-American, 9.2%; 332 homozygotes.

Submissions (15):

Labcorp Genetics (formerly Invitae), Labcorp
Classification: Benign for RYR1-related disorder. Last evaluated: 2026-02-04. Review status: criteria provided, single submitter. Criteria: Invitae Variant Classification Sherloc (09022015). Collection method: clinical testing. Allele origin: germline.

All of Us Research Program, National Institutes of Health
Classification: Benign for Malignant hyperthermia, susceptibility to, 1. Last evaluated: 2024-02-05. Review status: criteria provided, single submitter. Criteria: ACMG Guidelines, 2015. Collection method: clinical testing. Allele origin: germline. Inheritance: Autosomal dominant inheritance. Observed: 1,926 variant alleles, 1,860 heterozygotes, 66 homozygotes.
Comment: This study involves interpretation of variants in research participants for the purpose of population health screening. Participant phenotype was not available at the time of variant classification. Additional details can be found in publication PMID: 35346344, PMCID: PMC8962531

Mayo Clinic Laboratories, Mayo Clinic
Classification: Benign. Last evaluated: 2022-08-05. Review status: criteria provided, single submitter. Criteria: ACMG Guidelines, 2015. Collection method: clinical testing. Allele origin: germline. Observed: 24 variant alleles.
Comment: BA1

Color Diagnostics, LLC DBA Color Health
Classification: Benign for Malignant hyperthermia, susceptibility to, 1. Last evaluated: 2019-03-29. Review status: criteria provided, single submitter. Criteria: ACMG Guidelines, 2015. Collection method: clinical testing. Allele origin: germline.

PreventionGenetics, part of Exact Sciences
Classification: Benign. Last evaluated: 2018-04-02. Review status: criteria provided, single submitter. Criteria: ACMG Guidelines, 2015. Collection method: clinical testing. Allele origin: germline.

Illumina Laboratory Services, Illumina
Classification: Benign for Congenital multicore myopathy with external ophthalmoplegia. Last evaluated: 2018-01-12. Review status: criteria provided, single submitter. Criteria: ICSL Variant Classification Criteria 13 December 2019. Collection method: clinical testing. Allele origin: germline.
Comment: This variant was observed in the ICSL laboratory as part of a predisposition screen in an ostensibly healthy population. It had not been previously curated by ICSL or reported in the Human Gene Mutation Database (HGMD: prior to June 1st, 2018), and was therefore a candidate for classification through an automated scoring system. Utilizing variant allele frequency, disease prevalence and penetrance estimates, and inheritance mode, an automated score was calculated to assess if this variant is too frequent to cause the disease. Based on the score and internal cut-off values, a variant classified as benign is not then subjected to further curation. The score for this variant resulted in a classification of benign for this disease.

Illumina Laboratory Services, Illumina
Classification: Benign for Central core myopathy. Last evaluated: 2018-01-12. Review status: criteria provided, single submitter. Criteria: ICSL Variant Classification Criteria 13 December 2019. Collection method: clinical testing. Allele origin: germline.
Comment: the same text as in the submission from Illumina Laboratory Services, Illumina above.

Illumina Laboratory Services, Illumina
Classification: Benign for Malignant hyperthermia, susceptibility to, 1. Last evaluated: 2018-01-12. Review status: criteria provided, single submitter. Criteria: ICSL Variant Classification Criteria 13 December 2019. Collection method: clinical testing. Allele origin: germline.
Comment: the same text as in the submission from Illumina Laboratory Services, Illumina above.

GeneDx
Classification: Benign. Last evaluated: 2016-03-25. Review status: criteria provided, single submitter. Criteria: GeneDx Variant Classification (06012015). Collection method: clinical testing. Allele origin: germline. Affected: yes.
Comment: This variant is considered likely benign or benign based on one or more of the following criteria: it is a conservative change, it occurs at a poorly conserved position in the protein, it is predicted to be benign by multiple in silico algorithms, and/or has population frequency not consistent with disease.

Genetic Services Laboratory, University of Chicago
Classification: Benign. Last evaluated: 2013-08-15. Review status: criteria provided, single submitter. Criteria: ACMG Guidelines, 2007. Collection method: clinical testing. Allele origin: germline. Inheritance: Autosomal unknown.

Eurofins Ntd Llc (ga)
Classification: Benign. Last evaluated: 2013-03-25. Review status: criteria provided, single submitter. Criteria: EGL Classification Definitions 2015. Collection method: clinical testing. Allele origin: germline. Observed: 4 variant alleles, 4 heterozygotes.

Breakthrough Genomics
Classification: Benign. Review status: criteria provided, single submitter. Criteria: ACMG Guidelines, 2015. Collection method: not provided. Allele origin: germline. Inheritance: Autosomal recessive inheritance. Affected: yes.

Joint Genome Diagnostic Labs from Nijmegen and Maastricht, Radboudumc and MUMC+
Classification: Benign. Review status: no assertion criteria provided. Collection method: clinical testing. Allele origin: germline. Affected: yes. Study: VKGL Data-share Consensus. Not counted in ClinVar's aggregate classification.

Laboratory of Diagnostic Genome Analysis, Leiden University Medical Center (LUMC)
Classification: Likely benign. Review status: no assertion criteria provided. Collection method: clinical testing. Allele origin: germline. Affected: yes. Study: VKGL Data-share Consensus. Not counted in ClinVar's aggregate classification.

RYR1 database
No classification provided. Review status: no classification provided. Collection method: not provided. Allele origin: unknown. Not counted in ClinVar's aggregate classification.